The following is an entry in ClinVar:

NM_206933.4(USH2A):c.3890_3891del (p.Phe1297fs)

Genes: USH2A (usherin; minus strand), USH2A-AS1 (USH2A antisense RNA 1; plus strand). Cytogenetic location: 1q41.
Variant type: Deletion.
Coding change: c.3890_3891del on transcript NM_206933.4 (MANE Select); coding-DNA positions 3890 to 3891, 2 bases deleted (TT; older notation c.3890_3891delTT).
Protein change: p.Phe1297fs; shifts the reading frame from phenylalanine 1297.
Molecular consequence: frameshift variant.
Genome position (GRCh38, 1-based): chr1:216,198,505-216,198,506, AA deleted on the plus strand (TT on the coding strand, the reverse complement: USH2A is on the minus strand); deleting any 2 consecutive bases within chr1:216,198,505-216,198,509 gives the same sequence; the c. name uses the placement nearest the transcript's 3' end. VCF-style (leftmost placement, unchanged base first): chr1-216198504-GAA-G. GRCh37 (hg19) VCF-style: chr1-216371846-GAA-G.
Other names: c.3890_3891del, p.Phe1297fs (NM_007123.6); short protein forms F1297fs.
Identifiers: ClinVar variation 2734092 (VCV002734092.3), dbSNP rs1553313551, ClinGen allele CA2586968486.
Genomic context (GRCh38, chr1:216,198,504, plus strand): 5'-TTAATGCATTTTCATTGGCCGATTCTACAAATGAATGAGGACTGAGCCAACCACTGCTCT[GAA>G]AAACTCGACTTTCCTCAGATGTGGTTTCTTTAGTAGATCTCAGTCTTCTCATGTATAGTT-3'

ClinVar aggregate classification (germline): Pathogenic (1 of 4 stars; one submission).

Submission:

Labcorp Genetics (formerly Invitae), Labcorp
Classification: Pathogenic. Last evaluated: 2023-03-12. Review status: criteria provided, single submitter. Criteria: Invitae Variant Classification Sherloc (09022015). Collection method: clinical testing. Allele origin: germline.
Comment: For these reasons, this variant has been classified as Pathogenic. This premature translational stop signal has been observed in individual(s) with USH2A-related conditions (PMID: 27460420, 33576794). This variant is not present in population databases (gnomAD no frequency). This sequence change creates a premature translational stop signal (p.Phe1297Serfs*17) in the USH2A gene. It is expected to result in an absent or disrupted protein product. Loss-of-function variants in USH2A are known to be pathogenic (PMID: 10729113, 10909849, 20507924, 25649381).

Literature cited by the submitters: PubMed 27460420; PubMed 33576794; PubMed 10729113; PubMed 10909849; PubMed 20507924; PubMed 25649381.